The following is an entry in ClinVar:

NM_016169.4(SUFU):c.1347T>G (p.Asp449Glu)

Gene: SUFU (SUFU negative regulator of hedgehog signaling; plus strand). Cytogenetic location: 10q24.32.
Variant type: single nucleotide variant.
Coding change: c.1347T>G on transcript NM_016169.4 (MANE Select); coding-DNA position 1347, T replaced by G.
Protein change: p.Asp449Glu; replaces aspartic acid 449 with glutamic acid.
Molecular consequence: missense variant.
Genome position (GRCh38, 1-based): chr10:102,627,225, T>G. VCF-style: chr10-102627225-T-G. GRCh37 (hg19) VCF-style: chr10-104386982-T-G.
Other names: short protein forms D449E.
Identifiers: ClinVar variation 582984 (VCV000582984.12), dbSNP rs1564711403, ClinGen allele CA377918835.

ClinVar aggregate classification (germline): Conflicting classifications of pathogenicity. Review status: criteria provided, conflicting classifications (1 of 4 stars). 2 submissions from 2 submitters: Uncertain significance (1); Likely benign (1). Last evaluated 2025-06-11.

Conditions:
Gorlin syndrome. Also called: Basal cell nevus syndrome; Nevoid Basal Cell Carcinoma Syndrome. Identifiers: Orphanet 377, MedGen C0004779, MONDO:0007187.
Medulloblastoma (MDB). Also called: Medulloblastoma, somatic; MEDULLOBLASTOMA PREDISPOSITION SYNDROME. Identifiers: Orphanet 616, MedGen C0025149, MeSH D008527, MONDO:0007959, OMIM 155255, HP:0002885.
Hereditary cancer-predisposing syndrome. Also called: Neoplastic Syndromes, Hereditary; Hereditary Cancer Syndrome; Tumor predisposition; Hereditary neoplastic syndrome. Identifiers: Orphanet 140162, MedGen C0027672, MeSH D009386, MONDO:0015356.

Submissions (2):

Labcorp Genetics (formerly Invitae), Labcorp
Classification: Uncertain significance for Gorlin syndrome; Medulloblastoma. Last evaluated: 2025-06-11. Review status: criteria provided, single submitter. Criteria: Invitae Variant Classification Sherloc (09022015). Collection method: clinical testing. Allele origin: germline.
Comment: This sequence change replaces aspartic acid, which is acidic and polar, with glutamic acid, which is acidic and polar, at codon 449 of the SUFU protein (p.Asp449Glu). This variant is not present in population databases (gnomAD no frequency). This variant has not been reported in the literature in individuals affected with SUFU-related conditions. ClinVar contains an entry for this variant (Variation ID: 582984). Invitae Evidence Modeling of protein sequence and biophysical properties (such as structural, functional, and spatial information, amino acid conservation, physicochemical variation, residue mobility, and thermodynamic stability) indicates that this missense variant is not expected to disrupt SUFU protein function with a negative predictive value of 80%. In summary, the available evidence is currently insufficient to determine the role of this variant in disease. Therefore, it has been classified as a Variant of Uncertain Significance.

Ambry Genetics
Classification: Likely benign for Hereditary cancer-predisposing syndrome. Last evaluated: 2025-01-03. Review status: criteria provided, single submitter. Criteria: Ambry Variant Classification Scheme 2023. Collection method: clinical testing. Allele origin: germline.